The following is an entry in ClinVar:

ClinVar aggregate classification (germline): Uncertain significance. Review status: criteria provided, multiple submitters, no conflicts (2 of 4 stars). 4 submissions from 4 submitters: Uncertain significance (4). Last evaluated 2025-06-03.

Conditions:
Jeune thoracic dystrophy. Also called: Jeune syndrome; Infantile thoracic dystrophy; Thoracic pelvic phalangeal dystrophy; Jeune's syndrome; Chondroectodermal dysplasia-like syndrome; Short-rib thoracic dysplasia. Identifiers: Orphanet 474, MedGen C0265275, MONDO:0018770.
Asphyxiating thoracic dystrophy 2 (SRTD2). Also called: SHORT-RIB THORACIC DYSPLASIA 2 WITH OR WITHOUT POLYDACTYLY; SHORT-RIB THORACIC DYSPLASIA 2 WITH POLYDACTYLY; SHORT-RIB THORACIC DYSPLASIA 2 WITHOUT POLYDACTYLY. Identifiers: Orphanet 474, MedGen C1970005, MONDO:0012644, OMIM 611263.
Inborn genetic diseases. Identifiers: MedGen C0950123, MeSH D030342.

Allele frequency attached by ClinVar (database versions not stated): ExAC 0.00014; gnomAD exomes 0.00014 and 0.00033; gnomAD 0.00015; TOPMed 0.00019; ESP Exome Variant Server 0.00038.
gnomAD v4.1: 503 of 1,613,888 alleles (0.031%); highest among the groups gnomAD compares: Non-Finnish European, 0.041%; 1 homozygote.

Submissions (4):

Ambry Genetics
Classification: Uncertain significance for Inborn genetic diseases. Last evaluated: 2025-06-03. Review status: criteria provided, single submitter. Criteria: Ambry Variant Classification Scheme 2023. Collection method: clinical testing. Allele origin: germline.

Fulgent Genetics
Classification: Uncertain significance for Asphyxiating thoracic dystrophy 2. Last evaluated: 2024-04-24. Review status: criteria provided, single submitter. Criteria: ACMG Guidelines, 2015. Collection method: clinical testing. Allele origin: germline.

Labcorp Genetics (formerly Invitae), Labcorp
Classification: Uncertain significance for Jeune thoracic dystrophy. Last evaluated: 2022-10-25. Review status: criteria provided, single submitter. Criteria: Invitae Variant Classification Sherloc (09022015). Collection method: clinical testing. Allele origin: germline.
Comment: This sequence change replaces arginine, which is basic and polar, with histidine, which is basic and polar, at codon 253 of the IFT80 protein (p.Arg253His). This variant is present in population databases (rs144738877, gnomAD 0.03%). This variant has not been reported in the literature in individuals affected with IFT80-related conditions. ClinVar contains an entry for this variant (Variation ID: 859489). Algorithms developed to predict the effect of missense changes on protein structure and function (SIFT, PolyPhen-2, Align-GVGD) all suggest that this variant is likely to be tolerated. In summary, the available evidence is currently insufficient to determine the role of this variant in disease. Therefore, it has been classified as a Variant of Uncertain Significance.

ARUP Laboratories, Molecular Genetics and Genomics, ARUP Laboratories
Classification: Uncertain significance for Asphyxiating thoracic dystrophy 2. Last evaluated: 2019-10-08. Review status: criteria provided, single submitter. Criteria: ARUP Molecular Germline Variant Investigation Process. Collection method: clinical testing. Allele origin: germline.
Comment: The IFT80 c.758G>A; p.Arg253His variant (rs144738877), to our knowledge, is not reported in the medical literature or gene specific databases. This variant is found in the non-Finnish European population with an allele frequency of 0.028% (36/128966 alleles) in the Genome Aggregation Database. The arginine at codon 253 is highly conserved, and computational analyses (SIFT: damaging, PolyPhen-2: benign) predict conflicting effects of this variant on protein structure/function. Due to limited information, the clinical significance of the p.Arg253His variant is uncertain at this time.

NM_020800.3(IFT80):c.758G>A (p.Arg253His)

Genes: TRIM59-IFT80 (TRIM59-IFT80 readthrough (NMD candidate); minus strand), IFT80 (intraflagellar transport 80; minus strand). Cytogenetic location: 3q25.33.
Variant type: single nucleotide variant.
Coding change: c.758G>A on transcript NM_020800.3 (MANE Select); coding-DNA position 758, G replaced by A.
Protein change: p.Arg253His; replaces arginine 253 with histidine.
Molecular consequence: missense variant. On other transcripts: non-coding transcript variant (3).
Genome position (GRCh38, 1-based): chr3:160,356,032, C>T on the plus strand (G>A on the coding strand, the complement: IFT80 is on the minus strand). VCF-style: chr3-160356032-C-T. GRCh37 (hg19) VCF-style: chr3-160073820-C-T.
Other names: c.347G>A, p.Arg116His (NM_001190241.2, NM_001190242.2); short protein forms R116H, R253H.
Identifiers: ClinVar variation 859489 (VCV000859489.14), dbSNP rs144738877, ClinGen allele CA2685378.
Genomic context (GRCh38, chr3:160,356,032, plus strand): 5'-TTATGACAGCACATCTGTGATTGCTCACCACTATAACTTACCCCAGTTTTATCACACAAG[C>T]GTAAAGTATGAAACGATCCAACAGCAAATAATTCTCCATCTGGAGCCCAGGCAACTGAAG-3'
Protein context (NP_065851.1, residues 243-263): LFAVGSFHTL[Arg253His]LCDKTGWSYA